The following is an entry in ClinVar:

ClinVar aggregate classification (germline): Uncertain significance (1 of 4 stars; one submission).

Conditions:
Argininosuccinate lyase deficiency. Also called: Argininosuccinic aciduria; ARGININOSUCCINIC ACID LYASE DEFICIENCY; ASL DEFICIENCY. Identifiers: Orphanet 23, MedGen C0268547, MONDO:0008815, OMIM 207900, HP:0025630.

gnomAD v4.1: 2 of 1,613,872 alleles (0.00012%); highest among the groups gnomAD compares: Non-Finnish European, 0.00017%; no homozygotes.

Submission:

Myriad Genetics, Inc.
Classification: Uncertain significance for Argininosuccinate lyase deficiency. Last evaluated: 2026-01-09. Review status: criteria provided, single submitter. Criteria: Myriad Autosomal Dominant, Autosomal Recessive and X-Linked Classification Criteria (2023). Collection method: clinical testing. Allele origin: unknown.
Comment: NM_001024943.1(ASL):c.467C>G(P156R) is a missense variant classified as a variant of uncertain significance in the context of argininosuccinic aciduria. P156R has been observed in a case with relevant disease (PMID: 24166829). Relevant functional assessments of this variant are not available in the literature. P156R has been observed in referenced population frequency databases. In summary, there is insufficient evidence to classify NM_001024943.1(ASL):c.467C>G(P156R) as pathogenic or benign. Please note: this variant was assessed in the context of healthy population screening.

Literature cited by the submitters: PubMed 24166829.

NM_000048.4(ASL):c.467C>G (p.Pro156Arg)

Gene: ASL (argininosuccinate lyase; plus strand). Cytogenetic location: 7q11.21.
Variant type: single nucleotide variant.
Coding change: c.467C>G on transcript NM_000048.4 (MANE Select); coding-DNA position 467, C replaced by G.
Protein change: p.Pro156Arg; replaces proline 156 with arginine.
Molecular consequence: missense variant.
Genome position (GRCh38, 1-based): chr7:66,086,605, C>G. VCF-style: chr7-66086605-C-G. GRCh37 (hg19) VCF-style: chr7-65551592-C-G.
Other names: c.467C>G, p.Pro156Arg (NM_001024943.2, NM_001024944.2, NM_001024946.2); short protein forms P156R.
Identifiers: ClinVar variation 5003281 (VCV005003281.1).